The following is an entry in ClinVar:

NM_000238.4(KCNH2):c.1692_1693delinsGA (p.Ala565Thr)

Gene: KCNH2 (potassium voltage-gated channel subfamily H member 2; minus strand). Cytogenetic location: 7q36.1.
Variant type: Indel.
Coding change: c.1692_1693delinsGA on transcript NM_000238.4 (MANE Select); coding-DNA positions 1692 to 1693, AG replaced by GA.
Protein change: p.Ala565Thr; replaces alanine 565 with threonine.
Molecular consequence: missense variant.
Genome position (GRCh38, 1-based): chr7:150,951,700-150,951,701, CT replaced by TC on the plus strand (AG replaced by GA on the coding strand, the reverse complement: KCNH2 is on the minus strand). VCF-style: chr7-150951700-CT-TC. GRCh37 (hg19) VCF-style: chr7-150648788-CT-TC.
Other names: c.672_673delinsGA, p.Ala225Thr (NM_001204798.2, NM_172057.3); c.1404_1405delAGinsGA, p.Ala469Thr (NM_001406753.1, NM_001406756.1); c.1515_1516delAGinsGA, p.Ala506Thr (NM_001406755.1); c.1392_1393delAGinsGA, p.Ala465Thr (NM_001406757.1); c.1692_1693delAGinsGA, p.Ala565Thr (NM_172056.3); short protein forms A565T, A225T, A465T, A506T, A469T.
Identifiers: ClinVar variation 1446599 (VCV001446599.7), dbSNP rs2116962914, ClinGen allele CA2573141869.

ClinVar aggregate classification (germline): Uncertain significance (1 of 4 stars; one submission).

Conditions:
Long QT syndrome (LQTS). Identifiers: MedGen C0023976, MeSH D008133, MONDO:0002442. Disease mechanism: loss of function. Inheritance: Various modes of inheritance.

Submission:

Labcorp Genetics (formerly Invitae), Labcorp
Classification: Uncertain significance for Long QT syndrome. Last evaluated: 2021-07-21. Review status: criteria provided, single submitter. Criteria: Invitae Variant Classification Sherloc (09022015). Collection method: clinical testing. Allele origin: germline.
Comment: In summary, the available evidence is currently insufficient to determine the role of this variant in disease. Therefore, it has been classified as a Variant of Uncertain Significance. Experimental studies have shown that this missense change affects KCNH2 protein function (PMID: 25417810). Algorithms developed to predict the effect of variants on protein structure and function are not available or were not evaluated for this variant. This missense change has been observed in individual(s) with clinical features of long QT syndrome (PMID: 19716085; Invitae). The frequency data for this variant in the population databases is not available, as this variant may be reported as separate entries in the ExAC database. This sequence change replaces alanine with threonine at codon 565 of the KCNH2 protein (p.Ala565Thr). The alanine residue is highly conserved and there is a small physicochemical difference between alanine and threonine.

Literature cited by the submitters: PubMed 25417810; PubMed 19716085.